The following is an entry in ClinVar:

NM_015662.3(IFT172):c.5161-3C>G

Genes: IFT172 (intraflagellar transport 172; minus strand), KRTCAP3 (keratinocyte associated protein 3; plus strand). Cytogenetic location: 2p23.3.
Variant type: single nucleotide variant.
Coding change: c.5161-3C>G on transcript NM_015662.3 (MANE Select); 3 bases into the intron before coding-DNA position 5161, C replaced by G.
Molecular consequence: intron variant.
Genome position (GRCh38, 1-based): chr2:27,444,524, G>C on the plus strand (C>G on the coding strand, the complement: IFT172 is on the minus strand). VCF-style: chr2-27444524-G-C. GRCh37 (hg19) VCF-style: chr2-27667391-G-C.
Other names: c.*5+463G>C (NM_001168364.2); c.5095-3C>G (NM_001410739.1).
Identifiers: ClinVar variation 4975385 (VCV004975385.1).

ClinVar aggregate classification (germline): Uncertain significance (1 of 4 stars; one submission).

gnomAD v4.1: 1 of 1,612,154 alleles (0.000062%); highest among the groups gnomAD compares: Non-Finnish European, 0.000085%; no homozygotes.

Submission:

GeneDx
Classification: Uncertain significance. Last evaluated: 2026-01-22. Review status: criteria provided, single submitter. Criteria: GeneDx Variant Classification Process June 2021. Collection method: clinical testing. Allele origin: germline.
Comment: Not observed at significant frequency in large population cohorts (gnomAD); In silico analysis supports a deleterious effect on splicing; Has not been previously published as pathogenic or benign to our knowledge